The following is an entry in ClinVar:

ClinVar aggregate classification (germline): Likely benign. Review status: criteria provided, single submitter (1 of 4 stars). 2 submissions from 2 submitters: Likely benign (1). 1 of the submissions does not count toward it. Last evaluated 2026-01-01.

Conditions:
TRPM3-related disorder. Also called: TRPM3-related condition.

Allele frequency attached by ClinVar (database versions not stated): TOPMed 0.00116; ESP Exome Variant Server 0.00123; 1000 Genomes Project 30x 0.00172; 1000 Genomes Project 0.00200; gnomAD 0.00266; ExAC 0.00349.
gnomAD v4.1: 4,669 of 1,614,106 alleles (0.29%); highest among the groups gnomAD compares: Non-Finnish European, 0.26%; 26 homozygotes.

Submissions (2):

CeGaT Center for Human Genetics Tuebingen
Classification: Likely benign. Last evaluated: 2026-01-01. Review status: criteria provided, single submitter. Criteria: CeGaT Center For Human Genetics Tuebingen Variant Classification Criteria Version 2. Collection method: clinical testing. Allele origin: germline. Affected: yes. Observed: 2 variant alleles.
Comment: TRPM3: BS1

PreventionGenetics, part of Exact Sciences
Classification: Likely benign for TRPM3-related condition. Last evaluated: 2021-02-23. Review status: no assertion criteria provided. Collection method: clinical testing. Allele origin: germline. Not counted in ClinVar's aggregate classification.
Comment: This variant is classified as likely benign based on ACMG/AMP sequence variant interpretation guidelines (Richards et al. 2015 PMID: 25741868, with internal and published modifications).

NM_001366145.2(TRPM3):c.4642G>A (p.Gly1548Arg)

Genes: KLF9-DT (KLF9 divergent transcript; plus strand), TRPM3 (transient receptor potential cation channel subfamily M member 3; minus strand). Cytogenetic location: 9q21.12.
Variant type: single nucleotide variant.
Coding change: c.4642G>A on transcript NM_001366145.2 (MANE Select); coding-DNA position 4642, G replaced by A.
Protein change: p.Gly1548Arg; replaces glycine 1548 with arginine.
Molecular consequence: missense variant. On other transcripts: intron variant (8).
Genome position (GRCh38, 1-based): chr9:70,536,471, C>T on the plus strand (G>A on the coding strand, the complement: TRPM3 is on the minus strand). VCF-style: chr9-70536471-C-T. GRCh37 (hg19) VCF-style: chr9-73151387-C-T.
Other names: c.4606G>A, p.Gly1536Arg (NM_001007471.4); c.4612G>A, p.Gly1538Arg (NM_001366141.2, NM_001366149.2); c.4717G>A, p.Gly1573Arg (NM_001366147.2); c.4036+651G>A (NM_001366148.2); c.4066+651G>A (NM_001366152.2); c.3532+651G>A (NM_001366154.2); c.4147G>A, p.Gly1383Arg (NM_020952.6); c.4183G>A, p.Gly1395Arg (NM_024971.7); and 9 more; short protein forms G1373R, G1383R, G1385R, G1395R, G1398R, G1408R, G1536R, G1538R.
Identifiers: ClinVar variation 3039881 (VCV003039881.21), dbSNP rs148192709, ClinGen allele CA5077772.